The following is an entry in ClinVar:

NM_033310.3(KCNK4):c.319G>A (p.Gly107Ser)

Genes: KCNK4 (potassium two pore domain channel subfamily K member 4; plus strand), KCNK4-CATSPERZ (KCNK4-CATSPERZ readthrough (NMD candidate); plus strand). Cytogenetic location: 11q13.1.
Variant type: single nucleotide variant.
Coding change: c.319G>A on transcript NM_033310.3 (MANE Select); coding-DNA position 319, G replaced by A.
Protein change: p.Gly107Ser; replaces glycine 107 with serine.
Molecular consequence: missense variant. On other transcripts: non-coding transcript variant (3).
Genome position (GRCh38, 1-based): chr11:64,297,124, G>A. VCF-style: chr11-64297124-G-A. GRCh37 (hg19) VCF-style: chr11-64064596-G-A.
Other names: c.319G>A, p.Gly107Ser (NM_001317090.2); short protein forms G107S.
Identifiers: ClinVar variation 3725294 (VCV003725294.2).
Genomic context (GRCh38, chr11:64,297,124, plus strand): 5'-GAGACGGAGGGGTCCCAGGTGGCCCCTAGACTTCCTGCATCGCCCCTCTGCCCAGGCTAT[G>A]GCAATGTGGCCCTGCGCACAGATGCCGGGCGCCTCTTCTGCATCTTTTATGCGCTGGTGG-3'
Protein context (NP_201567.1, residues 97-117): SGTIITTIGY[Gly107Ser]NVALRTDAGR

ClinVar aggregate classification (germline): Uncertain significance (1 of 4 stars; one submission).

Submission:

Labcorp Genetics (formerly Invitae), Labcorp
Classification: Uncertain significance. Last evaluated: 2024-11-15. Review status: criteria provided, single submitter. Criteria: Invitae Variant Classification Sherloc (09022015). Collection method: clinical testing. Allele origin: germline.
Comment: This sequence change replaces glycine, which is neutral and non-polar, with serine, which is neutral and polar, at codon 107 of the KCNK4 protein (p.Gly107Ser). This variant is not present in population databases (gnomAD no frequency). This variant has not been reported in the literature in individuals affected with KCNK4-related conditions. An algorithm developed to predict the effect of missense changes on protein structure and function (PolyPhen-2) suggests that this variant is likely to be disruptive. In summary, the available evidence is currently insufficient to determine the role of this variant in disease. Therefore, it has been classified as a Variant of Uncertain Significance.